The following is an entry in ClinVar:

NM_000038.6(APC):c.526G>T (p.Glu176Ter)

Gene: APC (APC regulator of Wnt signaling pathway; plus strand). Cytogenetic location: 5q22.2.
Variant type: single nucleotide variant.
Coding change: c.526G>T on transcript NM_000038.6 (MANE Select); coding-DNA position 526, G replaced by T.
Protein change: p.Glu176Ter; replaces glutamic acid 176 with a stop codon.
Molecular consequence: nonsense. On other transcripts: 5 prime UTR variant (4), non-coding transcript variant (2).
Genome position (GRCh38, 1-based): chr5:112,775,732, G>T. VCF-style: chr5-112775732-G-T. GRCh37 (hg19) VCF-style: chr5-112111429-G-T.
Other names: c.526G>T, p.Glu176Ter (NM_001127510.3, NM_001354895.2, NM_001354896.2 and 16 more transcripts); c.556G>T, p.Glu186Ter (NM_001127511.3, NM_001354897.2, NM_001354902.2 and 1 more transcripts); c.451G>T, p.Glu151Ter (NM_001354898.2, NM_001354904.2, NM_001407451.1); c.349G>T, p.Glu117Ter (NM_001407453.1, NM_001354900.2, NM_001354901.2 and 1 more transcripts); c.-510G>T (NM_001354906.2, NM_001407470.1, NM_001407471.1 and 1 more transcripts); short protein forms E117*, E176*, E186*, E151*.
Identifiers: ClinVar variation 3664304 (VCV003664304.2).

ClinVar aggregate classification (germline): Pathogenic (1 of 4 stars; one submission).

Conditions:
Familial adenomatous polyposis 1 (FAP1). Also called: FAMILIAL ADENOMATOUS POLYPOSIS 1, ATTENUATED; POLYPOSIS, ADENOMATOUS INTESTINAL. Identifiers: MedGen C2713442, MONDO:0021056, OMIM 175100. Disease mechanism: loss of function.

Submission:

Labcorp Genetics (formerly Invitae), Labcorp
Classification: Pathogenic for Familial adenomatous polyposis 1. Last evaluated: 2024-09-03. Review status: criteria provided, single submitter. Criteria: Invitae Variant Classification Sherloc (09022015). Collection method: clinical testing. Allele origin: germline.
Comment: This sequence change creates a premature translational stop signal (p.Glu176*) in the APC gene. It is expected to result in an absent or disrupted protein product. Loss-of-function variants in APC are known to be pathogenic (PMID: 17963004, 20685668). This variant is not present in population databases (gnomAD no frequency). This variant has not been reported in the literature in individuals affected with APC-related conditions. For these reasons, this variant has been classified as Pathogenic.

Literature cited by the submitters: PubMed 17963004; PubMed 20685668.